The following is an entry in ClinVar:

ClinVar aggregate classification (germline): Uncertain significance (1 of 4 stars; one submission).

Conditions:
Hereditary cancer-predisposing syndrome. Also called: Tumor predisposition; Neoplastic Syndromes, Hereditary; Hereditary Cancer Syndrome; Hereditary neoplastic syndrome. Identifiers: Orphanet 140162, MedGen C0027672, MeSH D009386, MONDO:0015356.

Submission:

Ambry Genetics
Classification: Uncertain significance for Hereditary cancer-predisposing syndrome. Last evaluated: 2024-08-15. Review status: criteria provided, single submitter. Criteria: Ambry Variant Classification Scheme 2023. Collection method: clinical testing. Allele origin: germline.
Comment: The p.L483V variant (also known as c.1447C>G), located in coding exon 10 of the FLCN gene, results from a C to G substitution at nucleotide position 1447. The leucine at codon 483 is replaced by valine, an amino acid with highly similar properties. This amino acid position is conserved. In addition, this alteration is predicted to be deleterious by in silico analysis. Based on the available evidence, the clinical significance of this variant remains unclear.

NM_144997.7(FLCN):c.1447C>G (p.Leu483Val)

Gene: FLCN (folliculin; minus strand). Cytogenetic location: 17p11.2.
Variant type: single nucleotide variant.
Coding change: c.1447C>G on transcript NM_144997.7 (MANE Select); coding-DNA position 1447, C replaced by G.
Protein change: p.Leu483Val; replaces leucine 483 with valine.
Molecular consequence: missense variant.
Genome position (GRCh38, 1-based): chr17:17,215,076, G>C on the plus strand (C>G on the coding strand, the complement: FLCN is on the minus strand). VCF-style: chr17-17215076-G-C. GRCh37 (hg19) VCF-style: chr17-17118390-G-C.
Other names: c.1501C>G, p.Leu501Val (NM_001353229.2); c.1447C>G, p.Leu483Val (NM_001353230.2, NM_001353231.2); short protein forms L483V, L501V.
Identifiers: ClinVar variation 3515638 (VCV003515638.1).